The following is an entry in ClinVar:

NM_001098426.2(SMARCD2):c.67G>A (p.Ala23Thr)

Genes: SMARCD2 (SWI/SNF related BAF chromatin remodeling complex subunit D2; minus strand), LOC130061409 (ATAC-STARR-seq lymphoblastoid silent region 8832; plus strand). Cytogenetic location: 17q23.3.
Variant type: single nucleotide variant.
Coding change: c.67G>A on transcript NM_001098426.2 (MANE Select); coding-DNA position 67, G replaced by A.
Protein change: p.Ala23Thr; replaces alanine 23 with threonine.
Molecular consequence: missense variant.
Genome position (GRCh38, 1-based): chr17:63,842,608, C>T on the plus strand (G>A on the coding strand, the complement: SMARCD2 is on the minus strand). VCF-style: chr17-63842608-C-T. GRCh37 (hg19) VCF-style: chr17-61919968-C-T.
Other names: short protein forms A23T.
Identifiers: ClinVar variation 2101210 (VCV002101210.4), dbSNP rs2511451023, ClinGen allele CA400602291.
Genomic context (GRCh38, chr17:63,842,608, plus strand): 5'-GGAGCGCCGGTCCGGGCAGCATGCCGGGTCCCGCGGGGGGAGGCGGCGCTCCCAGGGCCG[C>T]AGCCACGGCGCCGCCGCCAGGGCTTAGCGGGGGCAGCGGGAACCCGCCCGCGCCTCGGCC-3'
Protein context (NP_001091896.1, residues 13-33): PLSPGGGAVA[Ala23Thr]ALGAPPPPAG

ClinVar aggregate classification (germline): Uncertain significance (1 of 4 stars; one submission).

Allele frequency attached by ClinVar (database versions not stated): gnomAD exomes below 0.00001.
gnomAD v4.1: 2 of 1,224,614 alleles (0.00016%); highest among the groups gnomAD compares: Non-Finnish European, 0.0001%; no homozygotes.

Submission:

Labcorp Genetics (formerly Invitae), Labcorp
Classification: Uncertain significance. Last evaluated: 2023-10-13. Review status: criteria provided, single submitter. Criteria: Invitae Variant Classification Sherloc (09022015). Collection method: clinical testing. Allele origin: germline.
Comment: This sequence change replaces alanine, which is neutral and non-polar, with threonine, which is neutral and polar, at codon 23 of the SMARCD2 protein (p.Ala23Thr). This variant is not present in population databases (gnomAD no frequency). This variant has not been reported in the literature in individuals affected with SMARCD2-related conditions. ClinVar contains an entry for this variant (Variation ID: 2101210). Experimental studies and prediction algorithms are not available or were not evaluated, and the functional significance of this variant is currently unknown. In summary, the available evidence is currently insufficient to determine the role of this variant in disease. Therefore, it has been classified as a Variant of Uncertain Significance.